The following is an entry in ClinVar:

NM_018941.4(CLN8):c.627C>G (p.Tyr209Ter)

Gene: CLN8 (CLN8 transmembrane ER and ERGIC protein; plus strand). Cytogenetic location: 8p23.3.
Variant type: single nucleotide variant.
Coding change: c.627C>G on transcript NM_018941.4 (MANE Select); coding-DNA position 627, C replaced by G.
Protein change: p.Tyr209Ter; replaces tyrosine 209 with a stop codon.
Molecular consequence: nonsense.
Genome position (GRCh38, 1-based): chr8:1,780,333, C>G. VCF-style: chr8-1780333-C-G. GRCh37 (hg19) VCF-style: chr8-1728499-C-G.
Other names: short protein forms Y209*.
Identifiers: ClinVar variation 2757008 (VCV002757008.3), dbSNP rs2486489059, ClinGen allele CA369953982.

ClinVar aggregate classification (germline): Pathogenic (1 of 4 stars; one submission).

Conditions:
Neuronal ceroid lipofuscinosis. Also called: Neuronal Ceroid Lipofuscinoses. Identifiers: Orphanet 216, Orphanet 79263, MedGen C0027877, MONDO:0016295. Disease mechanism: loss of function.

Allele frequency attached by ClinVar (database versions not stated): gnomAD exomes below 0.00001.
gnomAD v4.1: 1 of 1,614,254 alleles (0.000062%); highest among the groups gnomAD compares: Non-Finnish European, 0.000085%; no homozygotes.

Submission:

Labcorp Genetics (formerly Invitae), Labcorp
Classification: Pathogenic for Neuronal ceroid lipofuscinosis. Last evaluated: 2023-08-31. Review status: criteria provided, single submitter. Criteria: Invitae Variant Classification Sherloc (09022015). Collection method: clinical testing. Allele origin: germline.
Comment: This sequence change creates a premature translational stop signal (p.Tyr209*) in the CLN8 gene. While this is not anticipated to result in nonsense mediated decay, it is expected to disrupt the last 78 amino acid(s) of the CLN8 protein. This variant is not present in population databases (gnomAD no frequency). This variant has not been reported in the literature in individuals affected with CLN8-related conditions. This variant disrupts a region of the CLN8 protein in which other variant(s) (p.Trp263Cys) have been determined to be pathogenic (PMID: 15024724). This suggests that this is a clinically significant region of the protein, and that variants that disrupt it are likely to be disease-causing. For these reasons, this variant has been classified as Pathogenic.

Literature cited by the submitters: PubMed 15024724.